The following is an entry in ClinVar:

ClinVar aggregate classification (germline): Uncertain significance (1 of 4 stars; one submission).

Conditions:
Hereditary cancer-predisposing syndrome. Also called: Neoplastic Syndromes, Hereditary; Tumor predisposition; Hereditary neoplastic syndrome; Hereditary Cancer Syndrome. Identifiers: Orphanet 140162, MedGen C0027672, MeSH D009386, MONDO:0015356.

Submission:

Ambry Genetics
Classification: Uncertain significance for Hereditary cancer-predisposing syndrome. Last evaluated: 2025-03-15. Review status: criteria provided, single submitter. Criteria: Ambry Variant Classification Scheme 2023. Collection method: clinical testing. Allele origin: germline.
Comment: The p.N160K variant (also known as c.480C>G), located in coding exon 5 of the MITF gene, results from a C to G substitution at nucleotide position 480. The asparagine at codon 160 is replaced by lysine, an amino acid with similar properties. This amino acid position is conserved. In addition, this alteration is predicted to be tolerated by in silico analysis. Based on the available evidence, the clinical significance of this variant remains unclear.

NM_001354604.2(MITF):c.801C>G (p.Asn267Lys)

Gene: MITF (melanocyte inducing transcription factor; plus strand). Cytogenetic location: 3p13.
Variant type: single nucleotide variant.
Coding change: c.801C>G on transcript NM_001354604.2 (MANE Select); coding-DNA position 801, C replaced by G.
Protein change: p.Asn267Lys; replaces asparagine 267 with lysine.
Molecular consequence: missense variant.
Genome position (GRCh38, 1-based): chr3:69,949,089, C>G. VCF-style: chr3-69949089-C-G. GRCh37 (hg19) VCF-style: chr3-69998240-C-G.
Other names: c.480C>G, p.Asn160Lys (NM_000248.4, NM_198158.3); c.645C>G, p.Asn215Lys (NM_001184967.2, NM_001354608.2); c.798C>G, p.Asn266Lys (NM_001354605.2, NM_001354606.2, NM_006722.3); c.750C>G, p.Asn250Lys (NM_001354607.2); c.801C>G, p.Asn267Lys (NM_198159.3); c.753C>G, p.Asn251Lys (NM_198177.3); c.312C>G, p.Asn104Lys (NM_198178.3); short protein forms N160K, N250K, N267K, N104K, N266K, N215K, N251K.
Identifiers: ClinVar variation 4055165 (VCV004055165.1).